The following is an entry in ClinVar:

NM_001134382.3(IQSEC1):c.2815A>C (p.Ile939Leu)

Gene: IQSEC1 (IQ motif and Sec7 domain ArfGEF 1; minus strand). Cytogenetic location: 3p25.2.
Variant type: single nucleotide variant.
Coding change: c.2815A>C on transcript NM_001134382.3 (MANE Select); coding-DNA position 2815, A replaced by C.
Protein change: p.Ile939Leu; replaces isoleucine 939 with leucine.
Molecular consequence: missense variant. On other transcripts: intron variant (1).
Genome position (GRCh38, 1-based): chr3:12,901,513, T>G on the plus strand (A>C on the coding strand, the complement: IQSEC1 is on the minus strand). VCF-style: chr3-12901513-T-G. GRCh37 (hg19) VCF-style: chr3-12943013-T-G.
Other names: c.2441A>C, p.His814Pro (NM_001330619.3); c.3139A>C, p.Ile1047Leu (NM_001376938.2); c.2847+1260A>C (NM_014869.8); short protein forms H814P, I1047L, I939L.
Identifiers: ClinVar variation 1335502 (VCV001335502.37), dbSNP rs190809678, ClinGen allele CA2261796.

ClinVar aggregate classification (germline): Likely benign. Review status: criteria provided, multiple submitters, no conflicts (2 of 4 stars). 3 submissions from 3 submitters: Likely benign (3). Last evaluated 2026-09-01.

Allele frequency attached by ClinVar (database versions not stated): 1000 Genomes Project 30x 0.00109; 1000 Genomes Project 0.00160; ExAC 0.00194; gnomAD exomes 0.00310 and 0.00530; gnomAD 0.00333 and 0.00359; TOPMed 0.00342.
gnomAD v4.1: 7,879 of 1,549,322 alleles (0.51%); highest among the groups gnomAD compares: Non-Finnish European, 0.63%; 32 homozygotes.

Submissions (3):

CeGaT Center for Human Genetics Tuebingen
Classification: Likely benign. Last evaluated: 2026-09-01. Review status: criteria provided, single submitter. Criteria: CeGaT Center For Human Genetics Tuebingen Variant Classification Criteria Version 2. Collection method: clinical testing. Allele origin: germline. Affected: yes. Observed: 12 variant alleles.
Comment: IQSEC1: BS2

Blueprint Genetics
Classification: Likely benign. Last evaluated: 2024-11-25. Review status: criteria provided, single submitter. Criteria: ACMG Guidelines, 2015. Collection method: clinical testing. Allele origin: germline.

Breakthrough Genomics
Classification: Likely benign. Review status: criteria provided, single submitter. Criteria: ACMG Guidelines, 2015. Collection method: not provided. Allele origin: germline. Inheritance: Autosomal recessive inheritance. Affected: yes.